The following is an entry in ClinVar:

ClinVar aggregate classification (germline): Conflicting classifications of pathogenicity. Review status: criteria provided, conflicting classifications (1 of 4 stars). 4 submissions from 4 submitters: Uncertain significance (2); Likely benign (2). Last evaluated 2026-02-01.

Conditions:
Inborn genetic diseases. Identifiers: MedGen C0950123, MeSH D030342.

Allele frequency attached by ClinVar (database versions not stated): gnomAD exomes 0.00005 and 0.00006; TOPMed 0.00005; gnomAD 0.00006 and 0.00007; ExAC 0.00007.
gnomAD v4.1: 68 of 1,209,416 alleles (0.0056%); highest among the groups gnomAD compares: African/African-American, 0.007%; no homozygotes.

Submissions (4):

Labcorp Genetics (formerly Invitae), Labcorp
Classification: Uncertain significance. Last evaluated: 2026-02-01. Review status: criteria provided, single submitter. Criteria: Invitae Variant Classification Sherloc (09022015). Collection method: clinical testing. Allele origin: germline.
Comment: This sequence change replaces aspartic acid, which is acidic and polar, with asparagine, which is neutral and polar, at codon 77 of the NDUFB11 protein (p.Asp77Asn). This variant is present in population databases (rs202002020, gnomAD 0.01%). This variant has not been reported in the literature in individuals affected with NDUFB11-related conditions. ClinVar contains an entry for this variant (Variation ID: 1412128). An algorithm developed to predict the effect of missense changes on protein structure and function (PolyPhen-2) suggests that this variant is likely to be disruptive. In summary, the available evidence is currently insufficient to determine the role of this variant in disease. Therefore, it has been classified as a Variant of Uncertain Significance.

Ambry Genetics
Classification: Likely benign for Inborn genetic diseases. Last evaluated: 2025-08-13. Review status: criteria provided, single submitter. Criteria: Ambry Variant Classification Scheme 2023. Collection method: clinical testing. Allele origin: germline.

Blueprint Genetics
Classification: Likely benign. Last evaluated: 2024-11-27. Review status: criteria provided, single submitter. Criteria: ACMG Guidelines, 2015. Collection method: clinical testing. Allele origin: germline.

GeneDx
Classification: Uncertain significance. Last evaluated: 2023-06-27. Review status: criteria provided, single submitter. Criteria: GeneDx Variant Classification Process June 2021. Collection method: clinical testing. Allele origin: germline.
Comment: In silico analysis supports that this missense variant has a deleterious effect on protein structure/function; Has not been previously published as pathogenic or benign to our knowledge

NM_001135998.3(NDUFB11):c.229G>A (p.Asp77Asn)

Gene: NDUFB11 (NADH:ubiquinone oxidoreductase subunit B11; minus strand). Cytogenetic location: Xp11.3.
Variant type: single nucleotide variant.
Coding change: c.229G>A on transcript NM_001135998.3 (MANE Select); coding-DNA position 229, G replaced by A.
Protein change: p.Asp77Asn; replaces aspartic acid 77 with asparagine.
Molecular consequence: missense variant.
Genome position (GRCh38, 1-based): chrX:47,142,723, C>T on the plus strand (G>A on the coding strand, the complement: NDUFB11 is on the minus strand). VCF-style: chrX-47142723-C-T. GRCh37 (hg19) VCF-style: chrX-47002122-C-T.
Other names: c.229G>A, p.Asp77Asn (NM_019056.7); c.229G>A (NM_019056.5); short protein forms D77N.
Identifiers: ClinVar variation 1412128 (VCV001412128.12), dbSNP rs202002020, ClinGen allele CA10394922.